The following is an entry in ClinVar:

ClinVar aggregate classification (germline): Conflicting classifications of pathogenicity. Review status: criteria provided, conflicting classifications (1 of 4 stars). 2 submissions from 2 submitters: Uncertain significance (1); Likely benign (1). Last evaluated 2024-08-04.

Conditions:
Inborn genetic diseases. Identifiers: MedGen C0950123, MeSH D030342.
Leber congenital amaurosis 1 (LCA1). Also called: Congenital absence of the rods and cones; Leber's congenital tapetoretinal degeneration; Leber's congenital tapetoretinal dysplasia; RETINAL BLINDNESS, CONGENITAL; AMAUROSIS CONGENITA OF LEBER I. Identifiers: Orphanet 65, MedGen C2931258, MONDO:0008764, OMIM 204000.
Cone-rod dystrophy 6 (CORD6). Also called: RETINAL CONE DYSTROPHY 2; Cone dystrophy progressive. Identifiers: Orphanet 1872, MedGen C1866293, MONDO:0011143, OMIM 601777.

Allele frequency attached by ClinVar (database versions not stated): gnomAD 0.00001; gnomAD exomes 0.00001; TOPMed 0.00001.
gnomAD v4.1: 8 of 1,613,484 alleles (0.0005%); highest among the groups gnomAD compares: Non-Finnish European, 0.00068%; no homozygotes.

Submissions (2):

Ambry Genetics
Classification: Likely benign for Inborn genetic diseases. Last evaluated: 2024-08-04. Review status: criteria provided, single submitter. Criteria: Ambry Variant Classification Scheme 2023. Collection method: clinical testing. Allele origin: germline.

Labcorp Genetics (formerly Invitae), Labcorp
Classification: Uncertain significance for Leber congenital amaurosis 1; Cone-rod dystrophy 6. Last evaluated: 2023-06-16. Review status: criteria provided, single submitter. Criteria: Invitae Variant Classification Sherloc (09022015). Collection method: clinical testing. Allele origin: germline.
Comment: In summary, the available evidence is currently insufficient to determine the role of this variant in disease. Therefore, it has been classified as a Variant of Uncertain Significance. Advanced modeling of protein sequence and biophysical properties (such as structural, functional, and spatial information, amino acid conservation, physicochemical variation, residue mobility, and thermodynamic stability) performed at Invitae indicates that this missense variant is not expected to disrupt GUCY2D protein function. ClinVar contains an entry for this variant (Variation ID: 1494102). This variant has not been reported in the literature in individuals affected with GUCY2D-related conditions. This variant is present in population databases (no rsID available, gnomAD 0.002%). This sequence change replaces lysine, which is basic and polar, with arginine, which is basic and polar, at codon 695 of the GUCY2D protein (p.Lys695Arg).

NM_000180.4(GUCY2D):c.2084A>G (p.Lys695Arg)

Gene: GUCY2D (guanylate cyclase 2D, retinal; plus strand). Cytogenetic location: 17p13.1.
Variant type: single nucleotide variant.
Coding change: c.2084A>G on transcript NM_000180.4 (MANE Select); coding-DNA position 2084, A replaced by G.
Protein change: p.Lys695Arg; replaces lysine 695 with arginine.
Molecular consequence: missense variant.
Genome position (GRCh38, 1-based): chr17:8,012,577, A>G. VCF-style: chr17-8012577-A-G. GRCh37 (hg19) VCF-style: chr17-7915895-A-G.
Other names: c.2084A>G (NM_000180.3); short protein forms K695R.
Identifiers: ClinVar variation 1494102 (VCV001494102.7), dbSNP rs1237783733, ClinGen allele CA397952564.